The following is an entry in ClinVar:

ClinVar aggregate classification (germline): Uncertain significance (1 of 4 stars; one submission).

gnomAD v4.1: 6 of 1,609,716 alleles (0.00037%); highest among the groups gnomAD compares: Non-Finnish European, 0.00042%; no homozygotes.

Submission:

CeGaT Center for Human Genetics Tuebingen
Classification: Uncertain significance. Last evaluated: 2025-07-01. Review status: criteria provided, single submitter. Criteria: CeGaT Center For Human Genetics Tuebingen Variant Classification Criteria Version 2. Collection method: clinical testing. Allele origin: germline. Affected: yes. Observed: 1 variant allele.
Comment: MCM3AP: PM2, BP4

NM_003906.5(MCM3AP):c.4273G>C (p.Val1425Leu)

Genes: MCM3AP (minichromosome maintenance complex component 3 associated protein; minus strand), MCM3AP-AS1 (MCM3AP antisense RNA 1; plus strand). Cytogenetic location: 21q22.3.
Variant type: single nucleotide variant.
Coding change: c.4273G>C on transcript NM_003906.5 (MANE Select); coding-DNA position 4273, G replaced by C.
Protein change: p.Val1425Leu; replaces valine 1425 with leucine.
Molecular consequence: missense variant. On other transcripts: non-coding transcript variant (2).
Genome position (GRCh38, 1-based): chr21:46,251,546, C>G on the plus strand (G>C on the coding strand, the complement: MCM3AP is on the minus strand). VCF-style: chr21-46251546-C-G. GRCh37 (hg19) VCF-style: chr21-47671460-C-G.
Other names: short protein forms V1425L.
Identifiers: ClinVar variation 4084788 (VCV004084788.8).